The following is an entry in ClinVar:

ClinVar aggregate classification (germline): Uncertain significance. Review status: criteria provided, multiple submitters, no conflicts (2 of 4 stars). 2 submissions from 2 submitters: Uncertain significance (2). Last evaluated 2023-04-06.

Conditions:
Adams-Oliver syndrome 5 (AOS5). Identifiers: Orphanet 974, MedGen C4014970, MONDO:0014459, OMIM 616028.

Submissions (2):

Labcorp Genetics (formerly Invitae), Labcorp
Classification: Uncertain significance for Adams-Oliver syndrome 5. Last evaluated: 2023-04-06. Review status: criteria provided, single submitter. Criteria: Invitae Variant Classification Sherloc (09022015). Collection method: clinical testing. Allele origin: germline.
Comment: This sequence change replaces glutamine, which is neutral and polar, with arginine, which is basic and polar, at codon 1766 of the NOTCH1 protein (p.Gln1766Arg). This variant is not present in population databases (gnomAD no frequency). This variant has not been reported in the literature in individuals affected with NOTCH1-related conditions. Advanced modeling of protein sequence and biophysical properties (such as structural, functional, and spatial information, amino acid conservation, physicochemical variation, residue mobility, and thermodynamic stability) performed at Invitae indicates that this missense variant is not expected to disrupt NOTCH1 protein function. In summary, the available evidence is currently insufficient to determine the role of this variant in disease. Therefore, it has been classified as a Variant of Uncertain Significance.

GeneDx
Classification: Uncertain significance. Last evaluated: 2022-10-25. Review status: criteria provided, single submitter. Criteria: GeneDx Variant Classification Process June 2021. Collection method: clinical testing. Allele origin: germline. Affected: yes.
Comment: Not observed at significant frequency in large population cohorts (gnomAD); In silico analysis supports that this missense variant does not alter protein structure/function; Has not been previously published as pathogenic or benign to our knowledge

NM_017617.5(NOTCH1):c.5297A>G (p.Gln1766Arg)

Gene: NOTCH1 (notch receptor 1; minus strand). Cytogenetic location: 9q34.3.
Variant type: single nucleotide variant.
Coding change: c.5297A>G on transcript NM_017617.5 (MANE Select); coding-DNA position 5297, A replaced by G.
Protein change: p.Gln1766Arg; replaces glutamine 1766 with arginine.
Molecular consequence: missense variant.
Genome position (GRCh38, 1-based): chr9:136,502,359, T>C on the plus strand (A>G on the coding strand, the complement: NOTCH1 is on the minus strand). VCF-style: chr9-136502359-T-C. GRCh37 (hg19) VCF-style: chr9-139396811-T-C.
Other names: short protein forms Q1766R.
Identifiers: ClinVar variation 2500434 (VCV002500434.4), dbSNP rs2540431380, ClinGen allele CA375640672.
Genomic context (GRCh38, chr9:136,502,359, plus strand): 5'-GGCTCCCGCCGCTTCTTCTTGCTGGCCTCAGACACTTTGAAGCCCTCAGGGAACCAGAGC[T>C]GGCCATGCTGCCGCCGGCGCTTGCGGGACAGCAGCACCCCGCAGCCCACGAAGAACAGAA-3'
Protein context (NP_060087.3, residues 1756-1776): LSRKRRRQHG[Gln1766Arg]LWFPEGFKVS